The following is an entry in ClinVar:

ClinVar aggregate classification (germline): Pathogenic (1 of 4 stars; one submission).

Submission:

Labcorp Genetics (formerly Invitae), Labcorp
Classification: Pathogenic. Last evaluated: 2022-02-08. Review status: criteria provided, single submitter. Criteria: Invitae Variant Classification Sherloc (09022015). Collection method: clinical testing. Allele origin: germline.
Comment: This sequence change creates a premature translational stop signal (p.Glu331Lysfs*45) in the COL2A1 gene. It is expected to result in an absent or disrupted protein product. Loss-of-function variants in COL2A1 are known to be pathogenic (PMID: 20179744). For these reasons, this variant has been classified as Pathogenic. This variant has not been reported in the literature in individuals affected with COL2A1-related conditions. This variant is not present in population databases (gnomAD no frequency).

Literature cited by the submitters: PubMed 20179744.

NM_001844.5(COL2A1):c.990_991del (p.Glu331fs)

Gene: COL2A1 (collagen type II alpha 1 chain; minus strand). Cytogenetic location: 12q13.11.
Variant type: Deletion.
Coding change: c.990_991del on transcript NM_001844.5 (MANE Select); coding-DNA positions 990 to 991, 2 bases deleted (TG; older notation c.990_991delTG).
Protein change: p.Glu331fs; shifts the reading frame from glutamic acid 331.
Molecular consequence: frameshift variant.
Genome position (GRCh38, 1-based): chr12:47,992,910-47,992,911, CA deleted on the plus strand (TG on the coding strand, the reverse complement: COL2A1 is on the minus strand); deleting any 2 consecutive bases within chr12:47,992,910-47,992,912 gives the same sequence; the c. name uses the placement nearest the transcript's 3' end. VCF-style (leftmost placement, unchanged base first): chr12-47992909-TCA-T. GRCh37 (hg19) VCF-style: chr12-48386692-TCA-T.
Other names: c.783_784del, p.Glu262fs (NM_033150.3); short protein forms E331fs, E262fs.
Identifiers: ClinVar variation 2094582 (VCV002094582.4), dbSNP rs2540165622, ClinGen allele CA2580085626.